The following is an entry in ClinVar:

NM_003906.5(MCM3AP):c.2289T>G (p.Cys763Trp)

Gene: MCM3AP (minichromosome maintenance complex component 3 associated protein; minus strand). Cytogenetic location: 21q22.3.
Variant type: single nucleotide variant.
Coding change: c.2289T>G on transcript NM_003906.5 (MANE Select); coding-DNA position 2289, T replaced by G.
Protein change: p.Cys763Trp; replaces cysteine 763 with tryptophan.
Molecular consequence: missense variant.
Genome position (GRCh38, 1-based): chr21:46,272,737, A>C on the plus strand (T>G on the coding strand, the complement: MCM3AP is on the minus strand). VCF-style: chr21-46272737-A-C. GRCh37 (hg19) VCF-style: chr21-47692651-A-C.
Other names: c.2289T>G (NM_003906.3); short protein forms C763W.
Identifiers: ClinVar variation 1914901 (VCV001914901.4), dbSNP rs2081197440, ClinGen allele CA410524316.

ClinVar aggregate classification (germline): Uncertain significance. Review status: criteria provided, multiple submitters, no conflicts (2 of 4 stars). 2 submissions from 2 submitters: Uncertain significance (2). Last evaluated 2025-10-06.

Conditions:
Inborn genetic diseases. Identifiers: MedGen C0950123, MeSH D030342.

Allele frequency attached by ClinVar (database versions not stated): gnomAD exomes 0.00001; gnomAD 0.00001; TOPMed 0.00001.
gnomAD v4.1: 16 of 1,613,958 alleles (0.00099%); highest among the groups gnomAD compares: African/African-American, 0.0013%; no homozygotes.

Submissions (2):

Ambry Genetics
Classification: Uncertain significance for Inborn genetic diseases. Last evaluated: 2025-10-06. Review status: criteria provided, single submitter. Criteria: Ambry Variant Classification Scheme 2023. Collection method: clinical testing. Allele origin: germline.

Labcorp Genetics (formerly Invitae), Labcorp
Classification: Uncertain significance. Last evaluated: 2022-08-01. Review status: criteria provided, single submitter. Criteria: Invitae Variant Classification Sherloc (09022015). Collection method: clinical testing. Allele origin: germline.
Comment: This sequence change replaces cysteine, which is neutral and slightly polar, with tryptophan, which is neutral and slightly polar, at codon 763 of the MCM3AP protein (p.Cys763Trp). This variant is not present in population databases (gnomAD no frequency). This variant has not been reported in the literature in individuals affected with MCM3AP-related conditions. Algorithms developed to predict the effect of missense changes on protein structure and function (SIFT, PolyPhen-2, Align-GVGD) all suggest that this variant is likely to be disruptive. In summary, the available evidence is currently insufficient to determine the role of this variant in disease. Therefore, it has been classified as a Variant of Uncertain Significance.